The following is an entry in ClinVar:

ClinVar aggregate classification (germline): Uncertain significance (1 of 4 stars; one submission).

Conditions:
Early-infantile DEE. Also called: Ohtahara syndrome; Early infantile epileptic encephalopathy with suppression bursts; Early infantile epileptic encephalopathy. Identifiers: Orphanet 1934, MedGen C0393706, MONDO:0800491.

Allele frequency attached by ClinVar (database versions not stated): gnomAD exomes 0.00001.
gnomAD v4.1: 6 of 1,613,236 alleles (0.00037%); highest among the groups gnomAD compares: Non-Finnish European, 0.00051%; no homozygotes.

Submission:

Labcorp Genetics (formerly Invitae), Labcorp
Classification: Uncertain significance for Early-infantile DEE. Last evaluated: 2025-12-30. Review status: criteria provided, single submitter. Criteria: Invitae Variant Classification Sherloc (09022015). Collection method: clinical testing. Allele origin: germline.
Comment: This sequence change falls in intron 16 of the CACNA2D2 gene. It does not directly change the encoded amino acid sequence of the CACNA2D2 protein. It affects a nucleotide within the consensus splice site. This variant is not present in population databases (gnomAD no frequency). This variant has not been reported in the literature in individuals affected with CACNA2D2-related conditions. ClinVar contains an entry for this variant (Variation ID: 855433). Variants that disrupt the consensus splice site are a relatively common cause of aberrant splicing (PMID: 17576681, 9536098). Algorithms developed to predict the effect of sequence changes on RNA splicing suggest that this variant is not likely to affect RNA splicing. In summary, the available evidence is currently insufficient to determine the role of this variant in disease. Therefore, it has been classified as a Variant of Uncertain Significance.

Literature cited by the submitters: PubMed 17576681; PubMed 9536098.

NM_006030.4(CACNA2D2):c.1552-3C>T

Gene: CACNA2D2 (calcium voltage-gated channel auxiliary subunit alpha2delta 2; minus strand). Cytogenetic location: 3p21.31.
Variant type: single nucleotide variant.
Coding change: c.1552-3C>T on transcript NM_006030.4 (MANE Select); 3 bases into the intron before coding-DNA position 1552, C replaced by T.
Molecular consequence: intron variant.
Genome position (GRCh38, 1-based): chr3:50,377,544, G>A on the plus strand (C>T on the coding strand, the complement: CACNA2D2 is on the minus strand). VCF-style: chr3-50377544-G-A. GRCh37 (hg19) VCF-style: chr3-50414975-G-A.
Other names: c.1345-3C>T (NM_001291101.1); c.1552-3C>T (NM_001005505.3, NM_001174051.3).
Identifiers: ClinVar variation 855433 (VCV000855433.7), dbSNP rs1705055454, ClinGen allele CA916082577.